The following is an entry in ClinVar:

ClinVar aggregate classification (germline): Uncertain significance (1 of 4 stars; one submission).

Conditions:
Neuropathy, hereditary sensory and autonomic, type 2A (HSAN2A). Also called: WNK1-Related HSAN2 (HSAN2A); ACROOSTEOLYSIS, GIACCAI TYPE; ACROOSTEOLYSIS, NEUROGENIC; MORVAN DISEASE; NEUROPATHY, CONGENITAL SENSORY; NEUROPATHY, HEREDITARY SENSORY RADICULAR, AUTOSOMAL RECESSIVE. Identifiers: Orphanet 970, MedGen C2752089, MONDO:0024309, OMIM 201300.
Generalized epilepsy with febrile seizures plus, type 7 (GEFSP7). Also called: GEFS+, TYPE 7. Identifiers: Orphanet 36387, MedGen C2751778, MONDO:0013470, OMIM 613863.

Allele frequency attached by ClinVar (database versions not stated): gnomAD exomes below 0.00001.
gnomAD v4.1: 1 of 1,522,192 alleles (0.000066%); highest among the groups gnomAD compares: Non-Finnish European, 0.00009%; no homozygotes.

Submission:

Labcorp Genetics (formerly Invitae), Labcorp
Classification: Uncertain significance for Neuropathy, hereditary sensory and autonomic, type 2A; Generalized epilepsy with febrile seizures plus, type 7. Last evaluated: 2020-06-04. Review status: criteria provided, single submitter. Criteria: Invitae Variant Classification Sherloc (09022015). Collection method: clinical testing. Allele origin: germline.
Comment: This sequence change replaces alanine with valine at codon 1404 of the SCN9A protein (p.Ala1404Val). The alanine residue is highly conserved and there is a small physicochemical difference between alanine and valine. This variant is not present in population databases (ExAC no frequency). This variant has not been reported in the literature in individuals with SCN9A-related conditions. Algorithms developed to predict the effect of missense changes on protein structure and function (SIFT, PolyPhen-2, Align-GVGD) all suggest that this variant is likely to be disruptive, but these predictions have not been confirmed by published functional studies and their clinical significance is uncertain. In summary, the available evidence is currently insufficient to determine the role of this variant in disease. Therefore, it has been classified as a Variant of Uncertain Significance.

NM_001365536.1(SCN9A):c.4244C>T (p.Ala1415Val)

Genes: SCN1A-AS1 (SCN1A and SCN9A antisense RNA 1; plus strand), SCN9A (sodium voltage-gated channel alpha subunit 9; minus strand). Cytogenetic location: 2q24.3.
Variant type: single nucleotide variant.
Coding change: c.4244C>T on transcript NM_001365536.1 (MANE Select); coding-DNA position 4244, C replaced by T.
Protein change: p.Ala1415Val; replaces alanine 1415 with valine.
Molecular consequence: missense variant.
Genome position (GRCh38, 1-based): chr2:166,227,686, G>A on the plus strand (C>T on the coding strand, the complement: SCN9A is on the minus strand). VCF-style: chr2-166227686-G-A. GRCh37 (hg19) VCF-style: chr2-167084196-G-A.
Other names: c.4211C>T, p.Ala1404Val (NM_002977.4); short protein forms A1404V, A1415V.
Identifiers: ClinVar variation 1008885 (VCV001008885.9), dbSNP rs1694897462, ClinGen allele CA349062843.